The following is an entry in ClinVar:

ClinVar aggregate classification (germline): Benign. Review status: criteria provided, multiple submitters, no conflicts (2 of 4 stars). 3 submissions from 3 submitters: Benign (2). 1 of the submissions does not count toward it. Last evaluated 2018-11-12.

Conditions:
Increased circulating IgE concentration. Also called: Ige, elevated level of; Increased IgE level. Identifiers: MedGen C0236175, HP:0003212.

Allele frequency attached by ClinVar (database versions not stated): 1000 Genomes Project 30x 0.10978; 1000 Genomes Project 0.11002; TOPMed 0.16737; gnomAD 0.17093 and 0.17292; gnomAD exomes 0.19841.
gnomAD v4.1: 82,144 of 433,330 alleles (19%); highest among the groups gnomAD compares: Middle Eastern, 27%; 9,544 homozygotes.

Submissions (3):

GeneDx
Classification: Benign. Last evaluated: 2018-11-12. Review status: criteria provided, single submitter. Criteria: GeneDx Variant Classification Process June 2021. Collection method: clinical testing. Allele origin: germline. Affected: yes.
Comment: This variant is associated with the following publications: (PMID: 12700598, 17015683)

Breakthrough Genomics
Classification: Benign. Review status: criteria provided, single submitter. Criteria: ACMG Guidelines, 2015. Collection method: not provided. Allele origin: germline. Inheritance: Autosomal recessive inheritance. Affected: yes.

OMIM
Classification: Benign for RECLASSIFIED - IL21R POLYMORPHISM. Last evaluated: 2003-04-01. Review status: no assertion criteria provided. Collection method: literature only. Allele origin: germline. Not counted in ClinVar's aggregate classification.

Literature cited by the submitters: PubMed 12700598 (cited by OMIM); PubMed 17015683 (cited by OMIM).

NM_181078.3(IL21R):c.-17+400T>C

Gene: IL21R (interleukin 21 receptor; plus strand). Cytogenetic location: 16p12.1.
Variant type: single nucleotide variant.
Coding change: c.-17+400T>C on transcript NM_181078.3 (MANE Select); 400 bases into the intron after 17 bases upstream of the start codon, T replaced by C.
Molecular consequence: intron variant.
Genome position (GRCh38, 1-based): chr16:27,403,018, T>C. VCF-style: chr16-27403018-T-C. GRCh37 (hg19) VCF-style: chr16-27414339-T-C.
Other names: -83T-C; c.-91-62T>C (NM_181079.5).
Identifiers: ClinVar variation 1247564 (VCV001247564.6), dbSNP rs12934152, ClinGen allele CA14244706.